The following is an entry in ClinVar:

ClinVar aggregate classification (germline): Conflicting classifications of pathogenicity. Review status: criteria provided, conflicting classifications (1 of 4 stars). 4 submissions from 4 submitters: Uncertain significance (1); Likely benign (3). Last evaluated 2026-04-07.

Conditions:
NPHP4-related disorder. Also called: NPHP4-related disorders; NPHP4-related condition. Identifiers: MedGen CN239384.
Nephronophthisis. Also called: Juvenile Nephronophthisis. Identifiers: Orphanet 655, MedGen C0687120, MONDO:0019005, HP:0000090.

Allele frequency attached by ClinVar (database versions not stated): TOPMed 0.00002; gnomAD exomes 0.00003.
gnomAD v4.1: 45 of 1,613,192 alleles (0.0028%); highest among the groups gnomAD compares: African/African-American, 0.0053%; no homozygotes.

Submissions (4):

PreventionGenetics, part of Exact Sciences
Classification: Likely benign for NPHP4-related condition. Last evaluated: 2026-04-07. Review status: criteria provided, single submitter. Criteria: ACMG Guidelines, 2015. Collection method: clinical testing. Allele origin: germline.
Comment: This variant is classified as likely benign based on ACMG/AMP sequence variant interpretation guidelines (Richards et al. 2015 PMID: 25741868, with internal and published modifications).

Labcorp Genetics (formerly Invitae), Labcorp
Classification: Likely benign for Nephronophthisis. Last evaluated: 2026-01-12. Review status: criteria provided, single submitter. Criteria: Invitae Variant Classification Sherloc (09022015). Collection method: clinical testing. Allele origin: germline.

Blueprint Genetics
Classification: Likely benign. Last evaluated: 2022-10-05. Review status: criteria provided, single submitter. Criteria: ACMG Guidelines, 2015. Collection method: clinical testing. Allele origin: germline.

Eurofins Ntd Llc (ga)
Classification: Uncertain significance. Last evaluated: 2017-07-28. Review status: criteria provided, single submitter. Criteria: EGL Classification Definitions 2015. Collection method: clinical testing. Allele origin: germline. Observed: 1 variant allele, 1 heterozygote.

NM_015102.5(NPHP4):c.2346C>T (p.His782=)

Gene: NPHP4 (nephrocystin 4; minus strand). Cytogenetic location: 1p36.31.
Variant type: single nucleotide variant.
Coding change: c.2346C>T on transcript NM_015102.5 (MANE Select); coding-DNA position 2346, C replaced by T.
Protein change: p.His782=; no amino-acid change (histidine 782 retained).
Molecular consequence: synonymous variant. On other transcripts: non-coding transcript variant (1).
Genome position (GRCh38, 1-based): chr1:5,887,425, G>A on the plus strand (C>T on the coding strand, the complement: NPHP4 is on the minus strand). VCF-style: chr1-5887425-G-A. GRCh37 (hg19) VCF-style: chr1-5947485-G-A.
Other names: c.807C>T, p.His269= (NM_001291593.2); c.810C>T, p.His270= (NM_001291594.2); c.2346C>T (NM_015102.4).
Identifiers: ClinVar variation 593488 (VCV000593488.11), dbSNP rs1433852047, ClinGen allele CA415790569.
Genomic context (GRCh38, chr1:5,887,425, plus strand): 5'-CATGTCTCCACTCACCACCATGTTGTCCTGCTCGTATTCAGTTGCCACGACCTCAAGCTC[G>A]TGGGAGGCCTGCACAGCCGGCCGGCCTTGGCGGAGGAGATGCTGCAGAAGAGAAAAGCGC-3'
Protein context (NP_055917.1, residues 772-792): RQGRPAVQAS[His782=]ELEVVATEYE